The following is an entry in ClinVar:

ClinVar aggregate classification (germline): Pathogenic/Likely pathogenic. Review status: criteria provided, multiple submitters, no conflicts (2 of 4 stars). 4 submissions from 4 submitters: Pathogenic (3); Likely pathogenic (1). Last evaluated 2023-12-08.

Conditions:
Hereditary cancer-predisposing syndrome. Also called: Neoplastic Syndromes, Hereditary; Hereditary neoplastic syndrome; Tumor predisposition; Hereditary Cancer Syndrome. Identifiers: Orphanet 140162, MedGen C0027672, MeSH D009386, MONDO:0015356.
Fanconi anemia complementation group J. Also called: BRIP1-Related Fanconi Anemia. Identifiers: Orphanet 84, MedGen C1836860, MONDO:0012187, OMIM 609054.
Familial cancer of breast. Also called: BREAST CANCER, FAMILIAL; hereditary breast carcinoma; Hereditary breast cancer. Identifiers: Orphanet 227535, MedGen C0346153, MONDO:0016419, OMIM 114480. Disease mechanism: loss of function.

Submissions (4):

Ambry Genetics
Classification: Pathogenic for Hereditary cancer-predisposing syndrome. Last evaluated: 2023-12-08. Review status: criteria provided, single submitter. Criteria: Ambry Variant Classification Scheme 2023. Collection method: clinical testing. Allele origin: germline.
Comment: The c.210delA pathogenic mutation, located in coding exon 3 of the BRIP1 gene, results from a deletion of one nucleotide at nucleotide position 210, causing a translational frameshift with a predicted alternate stop codon (p.K70Nfs*7). This alteration is expected to result in loss of function by premature protein truncation or nonsense-mediated mRNA decay. As such, this alteration is interpreted as a disease-causing mutation.

Labcorp Genetics (formerly Invitae), Labcorp
Classification: Pathogenic for Familial cancer of breast; Fanconi anemia complementation group J. Last evaluated: 2023-06-23. Review status: criteria provided, single submitter. Criteria: Invitae Variant Classification Sherloc (09022015). Collection method: clinical testing. Allele origin: germline.
Comment: This sequence change creates a premature translational stop signal (p.Lys70Asnfs*7) in the BRIP1 gene. It is expected to result in an absent or disrupted protein product. Loss-of-function variants in BRIP1 are known to be pathogenic (PMID: 16116423, 17033622, 21964575). This variant is not present in population databases (gnomAD no frequency). This variant has not been reported in the literature in individuals affected with BRIP1-related conditions. ClinVar contains an entry for this variant (Variation ID: 530340). For these reasons, this variant has been classified as Pathogenic.

Myriad Genetics, Inc.
Classification: Pathogenic for Familial cancer of breast. Last evaluated: 2023-05-30. Review status: criteria provided, single submitter. Criteria: Myriad Autosomal Dominant, Autosomal Recessive and X-Linked Classification Criteria (2023). Collection method: clinical testing. Allele origin: unknown.
Comment: This variant is considered pathogenic. This variant creates a frameshift predicted to result in premature protein truncation.

Baylor Genetics
Classification: Likely pathogenic for Familial cancer of breast. Last evaluated: 2023-05-10. Review status: criteria provided, single submitter. Criteria: ACMG Guidelines, 2015. Collection method: clinical testing. Allele origin: unknown.

Literature cited by the submitters: PubMed 16116423 (cited by Labcorp Genetics (formerly Invitae), Labcorp); PubMed 17033622 (cited by Labcorp Genetics (formerly Invitae), Labcorp); PubMed 21964575 (cited by Labcorp Genetics (formerly Invitae), Labcorp).

NM_032043.3(BRIP1):c.210del (p.Lys70fs)

Gene: BRIP1 (BRCA1 interacting DNA helicase 1; minus strand). Cytogenetic location: 17q23.2.
Variant type: Deletion.
Coding change: c.210del on transcript NM_032043.3 (MANE Select); coding-DNA position 210, one base deleted (A; older notation c.210delA).
Protein change: p.Lys70fs; shifts the reading frame from lysine 70.
Molecular consequence: frameshift variant.
Genome position (GRCh38, 1-based): chr17:61,857,227, T deleted on the plus strand (A on the coding strand, the reverse complement: BRIP1 is on the minus strand); the first of 3 consecutive T bases (chr17:61,857,227-61,857,229); deleting any one gives the same sequence. VCF-style (leftmost placement, unchanged base first): chr17-61857226-GT-G. GRCh37 (hg19) VCF-style: chr17-59934587-GT-G.
Other names: c.210delA (NM_032043.2); short protein forms K70fs.
Identifiers: ClinVar variation 530340 (VCV000530340.11), dbSNP rs1555617925, ClinGen allele CA658798942.
Genomic context (GRCh38, chr17:61,857,226, plus strand): 5'-GGCATGCACAACAACATGACAATTGTACTTCAGCTTTTTCACTTACGCCCTCATCTGCTG[GT>G]TTCCCTAAAAATGAAAGAACATCTATTTATAATATATCTAATTAAATAAACATCAATCAT-3'